The following is an entry in ClinVar:

ClinVar aggregate classification (germline): Uncertain significance (1 of 4 stars; one submission).

Allele frequency attached by ClinVar (database versions not stated): gnomAD exomes below 0.00001; gnomAD 0.00001.
gnomAD v4.1: 3 of 1,613,914 alleles (0.00019%); highest among the groups gnomAD compares: African/African-American, 0.0027%; no homozygotes.

Submission:

GeneDx
Classification: Uncertain significance. Last evaluated: 2016-08-10. Review status: criteria provided, single submitter. Criteria: GeneDx Variant Classification (06012015). Collection method: clinical testing. Allele origin: germline. Affected: yes.
Comment: The I1366T variant in the A2ML1 gene has not been reported previously as a pathogenic variant, nor as a benign variant, to our knowledge. The I1366T variant was not observed in approximately 6100 individuals of European and African American ancestry in the NHLBI Exome Sequencing Project, indicating it is not a common benign variant in these populations. The I1366T variant is a non-conservative amino acid substitution, which is likely to impact secondary protein structure as these residues differ in polarity, charge, size and/or other properties. This substitution occurs at a position where amino acids with similar properties to Isoleucine are tolerated across species. In silico analysis is inconsistent in its predictions as to whether or not the variant is damaging to the protein structure/function. We interpret I1366T as a variant of uncertain significance.

NM_144670.6(A2ML1):c.4097T>C (p.Ile1366Thr)

Gene: A2ML1 (alpha-2-macroglobulin like 1; plus strand). Cytogenetic location: 12p13.31.
Variant type: single nucleotide variant.
Coding change: c.4097T>C on transcript NM_144670.6 (MANE Select); coding-DNA position 4097, T replaced by C.
Protein change: p.Ile1366Thr; replaces isoleucine 1366 with threonine.
Molecular consequence: missense variant.
Genome position (GRCh38, 1-based): chr12:8,868,572, T>C. VCF-style: chr12-8868572-T-C. GRCh37 (hg19) VCF-style: chr12-9021168-T-C.
Other names: c.2624T>C, p.Ile875Thr (NM_001282424.3); short protein forms I1366T, I875T.
Identifiers: ClinVar variation 280779 (VCV000280779.2), dbSNP rs886041924, ClinGen allele CA10603323.